The following is an entry in ClinVar:

ClinVar aggregate classification (germline): Uncertain significance. Review status: criteria provided, multiple submitters, no conflicts (2 of 4 stars). 2 submissions from 2 submitters: Uncertain significance (2). Last evaluated 2026-09-01.

Allele frequency attached by ClinVar (database versions not stated): gnomAD 0.00001; TOPMed 0.00001.
gnomAD v4.1: 22 of 1,611,930 alleles (0.0014%); highest among the groups gnomAD compares: Admixed American, 0.005%; no homozygotes.

Submissions (2):

CeGaT Center for Human Genetics Tuebingen
Classification: Uncertain significance. Last evaluated: 2026-09-01. Review status: criteria provided, single submitter. Criteria: CeGaT Center For Human Genetics Tuebingen Variant Classification Criteria Version 2. Collection method: clinical testing. Allele origin: germline. Affected: yes. Observed: 1 variant allele.
Comment: LEMD3: PS2, BP4

Labcorp Genetics (formerly Invitae), Labcorp
Classification: Uncertain significance. Last evaluated: 2025-11-03. Review status: criteria provided, single submitter. Criteria: Invitae Variant Classification Sherloc (09022015). Collection method: clinical testing. Allele origin: germline.
Comment: This sequence change replaces arginine, which is basic and polar, with glutamine, which is neutral and polar, at codon 678 of the LEMD3 protein (p.Arg678Gln). This variant is present in population databases (rs770458284, gnomAD 0.009%). This variant has not been reported in the literature in individuals affected with LEMD3-related conditions. ClinVar contains an entry for this variant (Variation ID: 2887425). Invitae Evidence Modeling of protein sequence and biophysical properties (such as structural, functional, and spatial information, amino acid conservation, physicochemical variation, residue mobility, and thermodynamic stability) indicates that this missense variant is not expected to disrupt LEMD3 protein function with a negative predictive value of 80%. In summary, the available evidence is currently insufficient to determine the role of this variant in disease. Therefore, it has been classified as a Variant of Uncertain Significance.

NM_014319.5(LEMD3):c.2033G>A (p.Arg678Gln)

Gene: LEMD3 (LEM domain containing 3; plus strand). Cytogenetic location: 12q14.3.
Variant type: single nucleotide variant.
Coding change: c.2033G>A on transcript NM_014319.5 (MANE Select); coding-DNA position 2033, G replaced by A.
Protein change: p.Arg678Gln; replaces arginine 678 with glutamine.
Molecular consequence: missense variant.
Genome position (GRCh38, 1-based): chr12:65,240,145, G>A. VCF-style: chr12-65240145-G-A. GRCh37 (hg19) VCF-style: chr12-65633925-G-A.
Other names: c.2030G>A, p.Arg677Gln (NM_001167614.2); short protein forms R677Q, R678Q.
Identifiers: ClinVar variation 2887425 (VCV002887425.4), dbSNP rs770458284, ClinGen allele CA6671118.